The following is an entry in ClinVar:

NM_001330311.2(DVL1):c.1757C>G (p.Pro586Arg)

Gene: DVL1 (dishevelled segment polarity protein 1; minus strand). Cytogenetic location: 1p36.33.
Variant type: single nucleotide variant.
Coding change: c.1757C>G on transcript NM_001330311.2 (MANE Select); coding-DNA position 1757, C replaced by G.
Protein change: p.Pro586Arg; replaces proline 586 with arginine.
Molecular consequence: missense variant.
Genome position (GRCh38, 1-based): chr1:1,336,473, G>C on the plus strand (C>G on the coding strand, the complement: DVL1 is on the minus strand). VCF-style: chr1-1336473-G-C. GRCh37 (hg19) VCF-style: chr1-1271853-G-C.
Other names: c.1682C>G, p.Pro561Arg (NM_004421.3); short protein forms P561R, P586R.
Identifiers: ClinVar variation 1165908 (VCV001165908.13), dbSNP rs113005319, ClinGen allele CA519845.

ClinVar aggregate classification (germline): Benign/Likely benign. Review status: criteria provided, multiple submitters, no conflicts (2 of 4 stars). 4 submissions from 4 submitters: Benign (1); Likely benign (2). 1 of the submissions does not count toward it. Last evaluated 2026-02-01.

Conditions:
DVL1-related disorder. Also called: DVL1-related condition.

Allele frequency attached by ClinVar (database versions not stated): 1000 Genomes Project 0.00839; ESP Exome Variant Server 0.00707; 1000 Genomes Project 30x 0.00874.
gnomAD v4.1: 24,217 of 1,550,932 alleles (1.6%); highest among the groups gnomAD compares: Non-Finnish European, 1.8%; 230 homozygotes.

Submissions (4):

Labcorp Genetics (formerly Invitae), Labcorp
Classification: Benign. Last evaluated: 2026-02-01. Review status: criteria provided, single submitter. Criteria: Invitae Variant Classification Sherloc (09022015). Collection method: clinical testing. Allele origin: germline.

GeneDx
Classification: Likely benign. Last evaluated: 2020-04-27. Review status: criteria provided, single submitter. Criteria: GeneDx Variant Classification Process June 2021. Collection method: clinical testing. Allele origin: germline. Affected: yes.

Breakthrough Genomics
Classification: Likely benign. Review status: criteria provided, single submitter. Criteria: ACMG Guidelines, 2015. Collection method: not provided. Allele origin: germline. Inheritance: Autosomal dominant inheritance. Affected: yes.

PreventionGenetics, part of Exact Sciences
Classification: Benign for DVL1-related condition. Last evaluated: 2019-10-16. Review status: no assertion criteria provided. Collection method: clinical testing. Allele origin: germline. Not counted in ClinVar's aggregate classification.
Comment: This variant is classified as benign based on ACMG/AMP sequence variant interpretation guidelines (Richards et al. 2015 PMID: 25741868, with internal and published modifications).